The following is an entry in ClinVar:

NM_004006.3(DMD):c.1889C>A (p.Thr630Lys)

Gene: DMD (dystrophin; minus strand). Cytogenetic location: Xp21.1.
Variant type: single nucleotide variant.
Coding change: c.1889C>A on transcript NM_004006.3 (MANE Select); coding-DNA position 1889, C replaced by A.
Protein change: p.Thr630Lys; replaces threonine 630 with lysine.
Molecular consequence: missense variant.
Genome position (GRCh38, 1-based): chrX:32,565,805, G>T on the plus strand (C>A on the coding strand, the complement: DMD is on the minus strand). VCF-style: chrX-32565805-G-T. GRCh37 (hg19) VCF-style: chrX-32583922-G-T.
Other names: c.1865C>A, p.Thr622Lys (NM_000109.4); c.1877C>A, p.Thr626Lys (NM_004009.3); c.1520C>A, p.Thr507Lys (NM_004010.3); short protein forms T630K, T626K, T507K, T622K.
Identifiers: ClinVar variation 388764 (VCV000388764.7), dbSNP rs1057523223, ClinGen allele CA16609180.

ClinVar aggregate classification (germline): Conflicting classifications of pathogenicity. Review status: criteria provided, conflicting classifications (1 of 4 stars). 3 submissions from 3 submitters: Uncertain significance (2); Likely benign (1). Last evaluated 2023-11-19.

Conditions:
Duchenne muscular dystrophy (DMD). Also called: MUSCULAR DYSTROPHY, PSEUDOHYPERTROPHIC PROGRESSIVE, DUCHENNE TYPE; Duchenne Muscular Dystrophy (DMD). Identifiers: Orphanet 98896, MedGen C0013264, MONDO:0010679, OMIM 310200.
Cardiovascular phenotype. Identifiers: MedGen CN230736.

Allele frequency attached by ClinVar (database versions not stated): gnomAD exomes 0.00001.
gnomAD v4.1: 4 of 1,210,906 alleles (0.00033%); highest among the groups gnomAD compares: Non-Finnish European, 0.00045%; no homozygotes.

Submissions (3):

Labcorp Genetics (formerly Invitae), Labcorp
Classification: Uncertain significance for Duchenne muscular dystrophy. Last evaluated: 2023-11-19. Review status: criteria provided, single submitter. Criteria: Invitae Variant Classification Sherloc (09022015). Collection method: clinical testing. Allele origin: germline.
Comment: This sequence change replaces threonine, which is neutral and polar, with lysine, which is basic and polar, at codon 630 of the DMD protein (p.Thr630Lys). This variant is not present in population databases (gnomAD no frequency). This variant has not been reported in the literature in individuals affected with DMD-related conditions. ClinVar contains an entry for this variant (Variation ID: 388764). Advanced modeling of protein sequence and biophysical properties (such as structural, functional, and spatial information, amino acid conservation, physicochemical variation, residue mobility, and thermodynamic stability) performed at Invitae indicates that this missense variant is not expected to disrupt DMD protein function with a negative predictive value of 95%. In summary, the available evidence is currently insufficient to determine the role of this variant in disease. Therefore, it has been classified as a Variant of Uncertain Significance.

Ambry Genetics
Classification: Uncertain significance for Cardiovascular phenotype. Last evaluated: 2020-04-17. Review status: criteria provided, single submitter. Criteria: Ambry Variant Classification Scheme 2023. Collection method: clinical testing. Allele origin: germline.
Comment: The p.T630K variant (also known as c.1889C>A), located in coding exon 16 of the DMD gene, results from a C to A substitution at nucleotide position 1889. The threonine at codon 630 is replaced by lysine, an amino acid with similar properties. This amino acid position is not well conserved in available vertebrate species. In addition, this alteration is predicted to be tolerated by in silico analysis. Since supporting evidence is limited at this time, the clinical significance of this alteration remains unclear.

GeneDx
Classification: Likely benign. Last evaluated: 2016-09-14. Review status: criteria provided, single submitter. Criteria: GeneDx Variant Classification (06012015). Collection method: clinical testing. Allele origin: germline. Affected: yes.
Comment: This variant is considered likely benign or benign based on one or more of the following criteria: it is a conservative change, it occurs at a poorly conserved position in the protein, it is predicted to be benign by multiple in silico algorithms, and/or has population frequency not consistent with disease.